The following is an entry in ClinVar:

ClinVar aggregate classification (germline): Uncertain significance (1 of 4 stars; one submission).

gnomAD v4.1: 2 of 1,613,972 alleles (0.00012%); highest among the groups gnomAD compares: South Asian, 0.0022%; no homozygotes.

Submission:

Labcorp Genetics (formerly Invitae), Labcorp
Classification: Uncertain significance. Last evaluated: 2024-03-13. Review status: criteria provided, single submitter. Criteria: Invitae Variant Classification Sherloc (09022015). Collection method: clinical testing. Allele origin: germline.
Comment: This sequence change replaces arginine, which is basic and polar, with leucine, which is neutral and non-polar, at codon 111 of the IL2RB protein (p.Arg111Leu). This variant is not present in population databases (gnomAD no frequency). This variant has not been reported in the literature in individuals affected with IL2RB-related conditions. Algorithms developed to predict the effect of missense changes on protein structure and function output the following: SIFT: "Not Available"; PolyPhen-2: "Benign"; Align-GVGD: "Not Available". The leucine amino acid residue is found in multiple mammalian species, which suggests that this missense change does not adversely affect protein function. In summary, the available evidence is currently insufficient to determine the role of this variant in disease. Therefore, it has been classified as a Variant of Uncertain Significance.

NM_000878.5(IL2RB):c.332G>T (p.Arg111Leu)

Gene: IL2RB (interleukin 2 receptor subunit beta; minus strand). Cytogenetic location: 22q12.3.
Variant type: single nucleotide variant.
Coding change: c.332G>T on transcript NM_000878.5 (MANE Select); coding-DNA position 332, G replaced by T.
Protein change: p.Arg111Leu; replaces arginine 111 with leucine.
Molecular consequence: missense variant.
Genome position (GRCh38, 1-based): chr22:37,139,173, C>A on the plus strand (G>T on the coding strand, the complement: IL2RB is on the minus strand). VCF-style: chr22-37139173-C-A. GRCh37 (hg19) VCF-style: chr22-37535213-C-A.
Other names: c.332G>T, p.Arg111Leu (NM_001346222.1, NM_001346223.2); short protein forms R111L.
Identifiers: ClinVar variation 3645813 (VCV003645813.2).